The following is an entry in ClinVar:

NM_013382.7(POMT2):c.1088C>T (p.Pro363Leu)

Gene: POMT2 (protein O-mannosyltransferase 2; minus strand). Cytogenetic location: 14q24.3.
Variant type: single nucleotide variant.
Coding change: c.1088C>T on transcript NM_013382.7 (MANE Select); coding-DNA position 1088, C replaced by T.
Protein change: p.Pro363Leu; replaces proline 363 with leucine.
Molecular consequence: missense variant.
Genome position (GRCh38, 1-based): chr14:77,296,192, G>A on the plus strand (C>T on the coding strand, the complement: POMT2 is on the minus strand). VCF-style: chr14-77296192-G-A. GRCh37 (hg19) VCF-style: chr14-77762535-G-A.
Other names: short protein forms P363L.
Identifiers: ClinVar variation 1350620 (VCV001350620.6), dbSNP rs2140218751, ClinGen allele CA390519477.
Genomic context (GRCh38, chr14:77,296,192, plus strand): 5'-CTGCCGTACAAGTGCACAAAAGGCTCACTGACCTGCTGCTGACGGGCACCAATGCCCTCG[G>A]GGTAGAGGTGCCTGTGGGAGTGCAGATAGCCGATGGCCATCCGGAGGTTCTTCACAGTGA-3'
Protein context (NP_037514.2, residues 353-373): GYLHSHRHLY[Pro363Leu]EGIGARQQQV

ClinVar aggregate classification (germline): Uncertain significance (1 of 4 stars; one submission).

Conditions:
Muscular dystrophy-dystroglycanopathy (congenital with brain and eye anomalies), type A2. Also called: MUSCULAR DYSTROPHY-DYSTROGLYCANOPATHY (CONGENITAL WITH BRAIN AND EYE ANOMALIES), TYPE A, 2; WALKER-WARBURG SYNDROME OR MUSCLE-EYE-BRAIN DISEASE, POMT2-RELATED. Identifiers: Orphanet 588, Orphanet 899, MedGen C3150411, MONDO:0013154, OMIM 613150.
Autosomal recessive limb-girdle muscular dystrophy type 2N. Also called: MUSCULAR DYSTROPHY-DYSTROGLYCANOPATHY, LIMB-GIRDLE, POMT2-RELATED; Muscular dystrophy-dystroglycanopathy (limb-girdle), type C, 2. Identifiers: Orphanet 206559, MedGen C3150418, MONDO:0013162, OMIM 613158.
Muscular dystrophy-dystroglycanopathy (congenital with impaired intellectual development), type B, 2. Also called: MUSCULAR DYSTROPHY, CONGENITAL, POMT2-RELATED; Muscular dystrophy-dystroglycanopathy (congenital with intellectual disability), type B2. Identifiers: MedGen C3150416, MONDO:0013160, OMIM 613156.

Submission:

Labcorp Genetics (formerly Invitae), Labcorp
Classification: Uncertain significance for Muscular dystrophy-dystroglycanopathy (congenital with impaired intellectual development), type B, 2; Muscular dystrophy-dystroglycanopathy (congenital with brain and eye anomalies), type A2; Autosomal recessive limb-girdle muscular dystrophy type 2N. Last evaluated: 2021-08-23. Review status: criteria provided, single submitter. Criteria: Invitae Variant Classification Sherloc (09022015). Collection method: clinical testing. Allele origin: germline.
Comment: This sequence change replaces proline with leucine at codon 363 of the POMT2 protein (p.Pro363Leu). The proline residue is highly conserved and there is a moderate physicochemical difference between proline and leucine. This variant is not present in population databases (ExAC no frequency). This variant has not been reported in the literature in individuals affected with POMT2-related conditions. Algorithms developed to predict the effect of missense changes on protein structure and function (SIFT, PolyPhen-2, Align-GVGD) all suggest that this variant is likely to be disruptive. In summary, the available evidence is currently insufficient to determine the role of this variant in disease. Therefore, it has been classified as a Variant of Uncertain Significance.